The following is an entry in ClinVar:

ClinVar aggregate classification (germline): Uncertain significance (1 of 4 stars; one submission).

Conditions:
Spastic paraplegia. Identifiers: MedGen C0037772, HP:0001258.

Submission:

Labcorp Genetics (formerly Invitae), Labcorp
Classification: Uncertain significance for Spastic paraplegia. Last evaluated: 2023-01-04. Review status: criteria provided, single submitter. Criteria: Invitae Variant Classification Sherloc (09022015). Collection method: clinical testing. Allele origin: germline.
Comment: Advanced modeling of protein sequence and biophysical properties (such as structural, functional, and spatial information, amino acid conservation, physicochemical variation, residue mobility, and thermodynamic stability) performed at Invitae indicates that this missense variant is not expected to disrupt KIF5A protein function. In summary, the available evidence is currently insufficient to determine the role of this variant in disease. Therefore, it has been classified as a Variant of Uncertain Significance. This variant has not been reported in the literature in individuals affected with KIF5A-related conditions. This variant is not present in population databases (gnomAD no frequency). This sequence change replaces proline, which is neutral and non-polar, with threonine, which is neutral and polar, at codon 986 of the KIF5A protein (p.Pro986Thr).

NM_004984.4(KIF5A):c.2956C>A (p.Pro986Thr)

Gene: KIF5A (kinesin family member 5A; plus strand). Cytogenetic location: 12q13.3.
Variant type: single nucleotide variant.
Coding change: c.2956C>A on transcript NM_004984.4 (MANE Select); coding-DNA position 2956, C replaced by A.
Protein change: p.Pro986Thr; replaces proline 986 with threonine.
Molecular consequence: missense variant.
Genome position (GRCh38, 1-based): chr12:57,581,916, C>A. VCF-style: chr12-57581916-C-A. GRCh37 (hg19) VCF-style: chr12-57975699-C-A.
Other names: c.2689C>A, p.Pro897Thr (NM_001354705.2); short protein forms P897T, P986T.
Identifiers: ClinVar variation 2825936 (VCV002825936.3), dbSNP rs2140172158, ClinGen allele CA385516675.